The following is an entry in ClinVar:

NM_007254.4(PNKP):c.1165G>T (p.Ala389Ser)

Gene: PNKP (polynucleotide kinase 3'-phosphatase; minus strand). Cytogenetic location: 19q13.33.
Variant type: single nucleotide variant.
Coding change: c.1165G>T on transcript NM_007254.4 (MANE Select); coding-DNA position 1165, G replaced by T.
Protein change: p.Ala389Ser; replaces alanine 389 with serine.
Molecular consequence: missense variant.
Genome position (GRCh38, 1-based): chr19:49,862,067, C>A on the plus strand (G>T on the coding strand, the complement: PNKP is on the minus strand). VCF-style: chr19-49862067-C-A. GRCh37 (hg19) VCF-style: chr19-50365324-C-A.
Other names: short protein forms A389S.
Identifiers: ClinVar variation 836886 (VCV000836886.9), dbSNP rs575803996, ClinGen allele CA9586565.

ClinVar aggregate classification (germline): Uncertain significance. Review status: criteria provided, multiple submitters, no conflicts (2 of 4 stars). 3 submissions from 3 submitters: Uncertain significance (3). Last evaluated 2025-09-25.

Conditions:
Inborn genetic diseases. Identifiers: MedGen C0950123, MeSH D030342.
Developmental and epileptic encephalopathy, 12 (DEE12). Identifiers: MedGen C3150988, MONDO:0013389, OMIM 613722.

Allele frequency attached by ClinVar (database versions not stated): gnomAD below 0.00001 and 0.00001; TOPMed 0.00001; ExAC 0.00002; gnomAD exomes 0.00002 and 0.00004; 1000 Genomes Project 30x 0.00016; 1000 Genomes Project 0.00020.
gnomAD v4.1: 33 of 1,614,158 alleles (0.002%); highest among the groups gnomAD compares: South Asian, 0.03%; 1 homozygote.

Submissions (3):

Ambry Genetics
Classification: Uncertain significance for Inborn genetic diseases. Last evaluated: 2025-09-25. Review status: criteria provided, single submitter. Criteria: Ambry Variant Classification Scheme 2023. Collection method: clinical testing. Allele origin: germline.

Labcorp Genetics (formerly Invitae), Labcorp
Classification: Uncertain significance for Developmental and epileptic encephalopathy, 12. Last evaluated: 2022-11-01. Review status: criteria provided, single submitter. Criteria: Invitae Variant Classification Sherloc (09022015). Collection method: clinical testing. Allele origin: germline.
Comment: This sequence change replaces alanine, which is neutral and non-polar, with serine, which is neutral and polar, at codon 389 of the PNKP protein (p.Ala389Ser). This variant is present in population databases (rs575803996, gnomAD 0.03%). This variant has not been reported in the literature in individuals affected with PNKP-related conditions. ClinVar contains an entry for this variant (Variation ID: 836886). Advanced modeling of protein sequence and biophysical properties (such as structural, functional, and spatial information, amino acid conservation, physicochemical variation, residue mobility, and thermodynamic stability) performed at Invitae indicates that this missense variant is not expected to disrupt PNKP protein function. In summary, the available evidence is currently insufficient to determine the role of this variant in disease. Therefore, it has been classified as a Variant of Uncertain Significance.

GeneDx
Classification: Uncertain significance. Last evaluated: 2019-07-02. Review status: criteria provided, single submitter. Criteria: GeneDx Variant Classification Process June 2021. Collection method: clinical testing. Allele origin: germline. Affected: yes.
Comment: In silico analysis, which includes protein predictors and evolutionary conservation, supports that this variant does not alter protein structure/function; Has not been previously published as pathogenic or benign to our knowledge